The following is an entry in ClinVar:

ClinVar aggregate classification (germline): Uncertain significance. Review status: criteria provided, multiple submitters, no conflicts (2 of 4 stars). 2 submissions from 2 submitters: Uncertain significance (2). Last evaluated 2024-03-06.

Conditions:
Familial thoracic aortic aneurysm and aortic dissection (TAAD). Also called: Thoracic aortic aneurysms and dissections. Identifiers: Orphanet 91387, MedGen C4707243, MONDO:0019625.

gnomAD v4.1: 3 of 1,613,342 alleles (0.00019%); highest among the groups gnomAD compares: South Asian, 0.0033%; no homozygotes.

Submissions (2):

Color Diagnostics, LLC DBA Color Health
Classification: Uncertain significance for Familial thoracic aortic aneurysm and aortic dissection. Last evaluated: 2024-03-06. Review status: criteria provided, single submitter. Criteria: ACMG Guidelines, 2015. Collection method: clinical testing. Allele origin: germline.
Comment: This missense variant replaces alanine with glycine at codon 481 of the COL3A1 protein. Computational prediction suggests that this variant may not impact protein structure and function (internally defined REVEL score threshold <= 0.5, PMID: 27666373). To our knowledge, functional studies have not been reported for this variant. This variant has not been reported in individuals affected with cardiovascular disorders in the literature. This variant has not been identified in the general population by the Genome Aggregation Database (gnomAD). The available evidence is insufficient to determine the role of this variant in disease conclusively. Therefore, this variant is classified as a Variant of Uncertain Significance.

Blueprint Genetics
Classification: Uncertain significance. Last evaluated: 2022-10-13. Review status: criteria provided, single submitter. Criteria: ACMG Guidelines, 2015. Collection method: clinical testing. Allele origin: germline.

NM_000090.4(COL3A1):c.1442C>G (p.Ala481Gly)

Gene: COL3A1 (collagen type III alpha 1 chain; plus strand). Cytogenetic location: 2q32.2.
Variant type: single nucleotide variant.
Coding change: c.1442C>G on transcript NM_000090.4 (MANE Select); coding-DNA position 1442, C replaced by G.
Protein change: p.Ala481Gly; replaces alanine 481 with glycine.
Molecular consequence: missense variant.
Genome position (GRCh38, 1-based): chr2:188,994,818, C>G. VCF-style: chr2-188994818-C-G. GRCh37 (hg19) VCF-style: chr2-189859544-C-G.
Other names: short protein forms A481G.
Identifiers: ClinVar variation 1332456 (VCV001332456.4), dbSNP rs1688268227, ClinGen allele CA349851930.
Genomic context (GRCh38, chr2:188,994,818, plus strand): 5'-AAGGCGAAGATGGCAAGGATGGATCACCTGGAGAACCTGGTGCAAATGGGCTTCCAGGAG[C>G]TGCAGGAGAAAGGGTACGTTTTCCATGGGGCATCTAAAAGAAAAGCAGCATCACTGTCAT-3'
Protein context (NP_000081.2, residues 471-491): GEPGANGLPG[Ala481Gly]AGERGAPGFR